The following is an entry in ClinVar:

NM_002834.5(PTPN11):c.178G>T (p.Gly60Cys)

Gene: PTPN11 (protein tyrosine phosphatase non-receptor type 11; plus strand). Cytogenetic location: 12q24.13.
Variant type: single nucleotide variant.
Coding change: c.178G>T on transcript NM_002834.5 (MANE Select); coding-DNA position 178, G replaced by T.
Protein change: p.Gly60Cys; replaces glycine 60 with cysteine.
Molecular consequence: missense variant.
Genome position (GRCh38, 1-based): chr12:112,450,358, G>T. VCF-style: chr12-112450358-G-T. GRCh37 (hg19) VCF-style: chr12-112888162-G-T.
Other names: p.G60C:GGT>TGT; c.178G>T, p.Gly60Cys (NM_001330437.2, NM_080601.3); c.175G>T, p.Gly59Cys (NM_001374625.1); short protein forms G60C, G59C.
Identifiers: ClinVar variation 41442 (VCV000041442.18), dbSNP rs397507507, ClinGen allele CA215448.

ClinVar aggregate classification (germline): Pathogenic/Likely pathogenic. Review status: criteria provided, multiple submitters, no conflicts (2 of 4 stars). 8 submissions from 8 submitters: Pathogenic (7); Likely pathogenic (1). Last evaluated 2026-04-01.

Conditions:
Congenital anomaly of kidney and urinary tract. Also called: Congenital anomalies of the kidney and urinary tract; Congenital anomalies of kidney and urinary tract. Identifiers: Orphanet 93545, MedGen C1968949, MeSH C566906, MONDO:0019719.
Congenital heart disease (CHD). Identifiers: MedGen C0152021, MONDO:0005453. Disease mechanism: unknown.
PTPN11-related disorder. Also called: PTPN11-Related Disorders.
Cardiovascular phenotype. Identifiers: MedGen CN230736.
RASopathy. Also called: rasopathies; Noonan spectrum disorder. Identifiers: Orphanet 536391, MedGen C5555857, MONDO:0021060.
Noonan syndrome 1 (NS1). Also called: TURNER PHENOTYPE WITH NORMAL KARYOTYPE; PTPN11-Related Noonan Syndrome; FEMALE PSEUDO-TURNER SYNDROME. Identifiers: Orphanet 648, MedGen C4551602, MONDO:0008104, OMIM 163950. Disease mechanism: gain of function.

Submissions (8):

Institute Of Molecular Biology And Genetics, Federal Almazov National Medical Research Centre
Classification: Pathogenic for Congenital heart disease; Congenital anomaly of kidney and urinary tract. Last evaluated: 2026-04-01. Review status: criteria provided, single submitter. Criteria: ACMG Guidelines, 2015. Collection method: clinical testing. Allele origin: germline. Affected: yes. Observed: 1 variant allele.
Comment: The missense variant NM_002834.5:c.178G>T leads to replacement of glycine with cysteine at codon 60 of the PTPN11 protein (p.Gly60Cys). Multiple lines of computational evidence suggest the c.178G>T variant as a deleterious one (PP3). It has an extremely low allele frequency in gnomAD (f = 6.199e-7, GnomAD v4.1.0) (PM2). Different missense changes at the same protein position have been reported before and classified as pathogenic (PM5). The c.178G>T variant has multiple records in ClinVar with likely-pathogenic or pathogenic interpritation in association with cardiovascular phenotypes and RASopaties (Variation ID: 41442).

Labcorp Genetics (formerly Invitae), Labcorp
Classification: Pathogenic for RASopathy. Last evaluated: 2024-05-31. Review status: criteria provided, single submitter. Criteria: Invitae Variant Classification Sherloc (09022015). Collection method: clinical testing. Allele origin: germline.
Comment: This sequence change replaces glycine, which is neutral and non-polar, with cysteine, which is neutral and slightly polar, at codon 60 of the PTPN11 protein (p.Gly60Cys). This variant is not present in population databases (gnomAD no frequency). This missense change has been observed in individuals with Noonan syndrome (PMID: 16263833, 21407260). ClinVar contains an entry for this variant (Variation ID: 41442). Advanced modeling of protein sequence and biophysical properties (such as structural, functional, and spatial information, amino acid conservation, physicochemical variation, residue mobility, and thermodynamic stability) performed at Invitae indicates that this missense variant is expected to disrupt PTPN11 protein function with a positive predictive value of 95%. This variant disrupts the p.Gly60 amino acid residue in PTPN11. Other variant(s) that disrupt this residue have been determined to be pathogenic (PMID: 11992261, 17020470, 18328949, 24039098, 26817465). This suggests that this residue is clinically significant, and that variants that disrupt this residue are likely to be disease-causing. For these reasons, this variant has been classified as Pathogenic.

Clinical Genetics Laboratory, Skane University Hospital Lund
Classification: Pathogenic. Last evaluated: 2023-12-06. Review status: criteria provided, single submitter. Criteria: ACMG Guidelines, 2015. Collection method: clinical testing. Allele origin: germline. Affected: yes.

Blueprint Genetics
Classification: Pathogenic for PTPN11-related disorders. Last evaluated: 2021-12-13. Review status: criteria provided, single submitter. Criteria: ACMG Guidelines, 2015. Collection method: clinical testing. Allele origin: germline. Affected: yes. Observed: 1 variant allele.

GeneDx
Classification: Pathogenic. Last evaluated: 2021-04-21. Review status: criteria provided, single submitter. Criteria: GeneDx Variant Classification Process June 2021. Collection method: clinical testing. Allele origin: germline. Affected: yes.
Comment: Not observed in large population cohorts (Lek et al., 2016); Missense variants in this gene are often considered pathogenic (Stenson et al., 2014); In silico analysis supports that this missense variant has a deleterious effect on protein structure/function; This variant is associated with the following publications: (PMID: 16263833, 18470943, 24803665, 31978184)

Ambry Genetics
Classification: Likely pathogenic for Cardiovascular phenotype. Last evaluated: 2020-03-27. Review status: criteria provided, single submitter. Criteria: Ambry Variant Classification Scheme 2023. Collection method: clinical testing. Allele origin: germline.
Comment: The p.G60C variant (also known as c.178G>T), located in coding exon 3 of the PTPN11 gene, results from a G to T substitution at nucleotide position 178. The glycine at codon 60 is replaced by cysteine, an amino acid with highly dissimilar properties. This variant was reported in one individual with Noonan syndrome, severe pulmonary valve stenosis, and chronic myelomonocytic leukaemia (La Starza R et al. Leukemia, 2007 Apr;21:830-3). It was also identified in an individual undergoing growth hormone treatment; however, clinical details were limited (Limal JM et al. J. Clin. Endocrinol. Metab., 2006 Jan;91:300-6). This amino acid position is highly conserved in available vertebrate species. In addition, this alteration is predicted to be deleterious by in silico analysis. A known disease-causing mutation, p.G60A, has been described in the same codon (Tartaglia M et al. Am. J. Hum. Genet., 2002 Jun;70:1555-63; Tartaglia M et al. Am. J. Hum. Genet., 2006 Feb;78:279-90; Bertola DR et al. Genet. Test., 2006;10:186-91; Jongmans MC et al. Eur. J. Hum. Genet., 2011 Aug;19:870-4; Atik T et al. Indian J Pediatr, 2016 Jun;83:517-21). Based on the majority of available evidence to date, the p.G60C variant is likely to be pathogenic.

Eurofins Ntd Llc (ga)
Classification: Pathogenic. Last evaluated: 2013-03-01. Review status: criteria provided, single submitter. Criteria: EGL Classification Definitions 2015. Collection method: clinical testing. Allele origin: germline. Observed: 1 variant allele, 1 heterozygote.

Clinical Genetics Service, Universitary Hospital 12 de Octubre
Classification: Pathogenic for Noonan syndrome 1. Review status: criteria provided, single submitter. Criteria: ACMG Guidelines, 2015. Collection method: clinical testing. Allele origin: germline. Affected: yes.

Literature cited by the submitters: PubMed 16263833 (cited by 3 submitters); PubMed 18470943 (cited by Institute Of Molecular Biology And Genetics, Federal Almazov National Medical Research Centre and Ambry Genetics); PubMed 17301821 (cited by Institute Of Molecular Biology And Genetics, Federal Almazov National Medical Research Centre and Ambry Genetics); PubMed 21407260 (cited by Labcorp Genetics (formerly Invitae), Labcorp); PubMed 11992261 (cited by Labcorp Genetics (formerly Invitae), Labcorp); PubMed 17020470 (cited by Labcorp Genetics (formerly Invitae), Labcorp); PubMed 18328949 (cited by Labcorp Genetics (formerly Invitae), Labcorp); PubMed 24039098 (cited by Labcorp Genetics (formerly Invitae), Labcorp); PubMed 26817465 (cited by Labcorp Genetics (formerly Invitae), Labcorp).